The following is an entry in ClinVar:

ClinVar aggregate classification (germline): Uncertain significance (1 of 4 stars; one submission).

Submission:

Labcorp Genetics (formerly Invitae), Labcorp
Classification: Uncertain significance. Last evaluated: 2025-01-09. Review status: criteria provided, single submitter. Criteria: Invitae Variant Classification Sherloc (09022015). Collection method: clinical testing. Allele origin: germline.
Comment: This sequence change replaces glutamine, which is neutral and polar, with glutamic acid, which is acidic and polar, at codon 38 of the SERPING1 protein (p.Gln38Glu). This variant is not present in population databases (gnomAD no frequency). This variant has not been reported in the literature in individuals affected with SERPING1-related conditions. Invitae Evidence Modeling of protein sequence and biophysical properties (such as structural, functional, and spatial information, amino acid conservation, physicochemical variation, residue mobility, and thermodynamic stability) indicates that this missense variant is not expected to disrupt SERPING1 protein function with a negative predictive value of 95%. In summary, the available evidence is currently insufficient to determine the role of this variant in disease. Therefore, it has been classified as a Variant of Uncertain Significance.

NM_000062.3(SERPING1):c.112C>G (p.Gln38Glu)

Gene: SERPING1 (serpin family G member 1; plus strand). Cytogenetic location: 11q12.1.
Variant type: single nucleotide variant.
Coding change: c.112C>G on transcript NM_000062.3 (MANE Select); coding-DNA position 112, C replaced by G.
Protein change: p.Gln38Glu; replaces glutamine 38 with glutamic acid.
Molecular consequence: missense variant.
Genome position (GRCh38, 1-based): chr11:57,599,939, C>G. VCF-style: chr11-57599939-C-G. GRCh37 (hg19) VCF-style: chr11-57367412-C-G.
Other names: c.112C>G, p.Gln38Glu (NM_001032295.2); short protein forms Q38E.
Identifiers: ClinVar variation 3669349 (VCV003669349.2).